The following is an entry in ClinVar:

ClinVar aggregate classification (germline): Uncertain significance. Review status: criteria provided, multiple submitters, no conflicts (2 of 4 stars). 2 submissions from 2 submitters: Uncertain significance (2). Last evaluated 2024-10-23.

Conditions:
Catecholaminergic polymorphic ventricular tachycardia 1. Also called: RYR2-Related Catecholaminergic Polymorphic Ventricular Tachycardia; VENTRICULAR TACHYCARDIA, CATECHOLAMINERGIC POLYMORPHIC, 1, WITH OR WITHOUT ATRIAL DYSFUNCTION AND/OR DILATED CARDIOMYOPATHY; VENTRICULAR TACHYCARDIA, STRESS-INDUCED POLYMORPHIC 1. Identifiers: Orphanet 3286, MedGen C1631597, MONDO:0011484, OMIM 604772.

Submissions (2):

Labcorp Genetics (formerly Invitae), Labcorp
Classification: Uncertain significance for Catecholaminergic polymorphic ventricular tachycardia 1. Last evaluated: 2024-10-23. Review status: criteria provided, single submitter. Criteria: Invitae Variant Classification Sherloc (09022015). Collection method: clinical testing. Allele origin: germline.
Comment: This sequence change replaces methionine, which is neutral and non-polar, with valine, which is neutral and non-polar, at codon 101 of the RYR2 protein (p.Met101Val). This variant is not present in population databases (gnomAD no frequency). This variant has not been reported in the literature in individuals affected with RYR2-related conditions. ClinVar contains an entry for this variant (Variation ID: 201191). Invitae Evidence Modeling of protein sequence and biophysical properties (such as structural, functional, and spatial information, amino acid conservation, physicochemical variation, residue mobility, and thermodynamic stability) indicates that this missense variant is not expected to disrupt RYR2 protein function with a negative predictive value of 95%. In summary, the available evidence is currently insufficient to determine the role of this variant in disease. Therefore, it has been classified as a Variant of Uncertain Significance.

GeneDx
Classification: Uncertain significance. Last evaluated: 2012-12-28. Review status: criteria provided, single submitter. Criteria: GeneDx Variant Classification (06012015). Collection method: clinical testing. Allele origin: germline. Affected: yes.
Comment: p.Met101Val (ATG>GTG): c.301 A>G in exon 5 of the RYR2 gene (NM_001035.2). The Met101Val variant in the RYR2 gene has not been reported as a disease-causing mutation or as a benign polymorphism to our knowledge. Met101Val results in a conservative amino acid substitution of one non polar amino acid with another at a position that is conserved in mammals. Met101Val is located in the N-terminal domain of the RYR2 gene, which is a mutation hot spot" region (Medeiros-Domingo A et al., 2009). The NHLBI ESP Exome Variant Server reports Met101Val was not observed in approximately 6,000 samples from individuals of European and African American backgrounds, indicating it is not a common benign variant in these populations. Nevertheless, in silico analysis predicts Met101Val is benign to the protein structure/function. With the clinical and molecular information available at this time, we cannot definitively determine if Met101Val is a disease-causing mutation or a rare benign variant. The variant is found in CPVT panel(s)."

NM_001035.3(RYR2):c.301A>G (p.Met101Val)

Gene: RYR2 (ryanodine receptor 2; plus strand). Cytogenetic location: 1q43.
Variant type: single nucleotide variant.
Coding change: c.301A>G on transcript NM_001035.3 (MANE Select); coding-DNA position 301, A replaced by G.
Protein change: p.Met101Val; replaces methionine 101 with valine.
Molecular consequence: missense variant.
Genome position (GRCh38, 1-based): chr1:237,364,364, A>G. VCF-style: chr1-237364364-A-G. GRCh37 (hg19) VCF-style: chr1-237527664-A-G.
Other names: p.M101V:ATG>GTG; c.301A>G, p.Met101Val (LRG_402t1); short protein forms M101V.
Identifiers: ClinVar variation 201191 (VCV000201191.4), dbSNP rs754323182, ClinGen allele CA009003.
Genomic context (GRCh38, chr1:237,364,364, plus strand): 5'-TCTTTGAGATCGTGTCTATTTAATGTTTCCTCTCTTTTCCTTATGCCCCTACAGAAATTC[A>G]TGATGAAGGTAAGACATCTTAATATATATGCTATGTATATATATAGCAGATATATTACTA-3'
Protein context (NP_001026.2, residues 91-111): GQVDVEKWKF[Met101Val]MKTAQGGGHR